The following is an entry in ClinVar:

ClinVar aggregate classification (germline): Uncertain significance. Review status: criteria provided, multiple submitters, no conflicts (2 of 4 stars). 2 submissions from 2 submitters: Uncertain significance (2). Last evaluated 2026-06-09.

Conditions:
Inborn genetic diseases. Identifiers: MedGen C0950123, MeSH D030342.

Submissions (2):

Ambry Genetics
Classification: Uncertain significance for Inborn genetic diseases. Last evaluated: 2026-06-09. Review status: criteria provided, single submitter. Criteria: Ambry Variant Classification Scheme 2023. Collection method: clinical testing. Allele origin: germline.

Labcorp Genetics (formerly Invitae), Labcorp
Classification: Uncertain significance. Last evaluated: 2022-08-29. Review status: criteria provided, single submitter. Criteria: Invitae Variant Classification Sherloc (09022015). Collection method: clinical testing. Allele origin: germline.
Comment: This sequence change replaces leucine, which is neutral and non-polar, with phenylalanine, which is neutral and non-polar, at codon 1218 of the COL4A5 protein (p.Leu1218Phe). This variant is not present in population databases (gnomAD no frequency). This variant has not been reported in the literature in individuals affected with COL4A5-related conditions. Advanced modeling of protein sequence and biophysical properties (such as structural, functional, and spatial information, amino acid conservation, physicochemical variation, residue mobility, and thermodynamic stability) performed at Invitae indicates that this missense variant is not expected to disrupt COL4A5 protein function. In summary, the available evidence is currently insufficient to determine the role of this variant in disease. Therefore, it has been classified as a Variant of Uncertain Significance.

NM_033380.3(COL4A5):c.3652C>T (p.Leu1218Phe)

Gene: COL4A5 (collagen type IV alpha 5 chain; plus strand). Cytogenetic location: Xq22.3.
Variant type: single nucleotide variant.
Coding change: c.3652C>T on transcript NM_033380.3 (MANE Select); coding-DNA position 3652, C replaced by T.
Protein change: p.Leu1218Phe; replaces leucine 1218 with phenylalanine.
Molecular consequence: missense variant.
Genome position (GRCh38, 1-based): chrX:108,668,366, C>T. VCF-style: chrX-108668366-C-T. GRCh37 (hg19) VCF-style: chrX-107911596-C-T.
Other names: c.3652C>T, p.Leu1218Phe (NM_000495.5); c.3652C>T (NM_000495.3); short protein forms L1218F.
Identifiers: ClinVar variation 1718277 (VCV001718277.6), dbSNP rs2147959184, ClinGen allele CA413848516.